The following is an entry in ClinVar:

NM_003140.3(SRY):c.294G>A (p.Trp98Ter)

Gene: SRY (sex determining region Y; minus strand). Cytogenetic location: Yp11.2.
Variant type: single nucleotide variant.
Coding change: c.294G>A on transcript NM_003140.3 (MANE Select); coding-DNA position 294, G replaced by A.
Protein change: p.Trp98Ter; replaces tryptophan 98 with a stop codon.
Molecular consequence: nonsense.
Genome position (GRCh38, 1-based): chrY:2,787,310, C>T on the plus strand (G>A on the coding strand, the complement: SRY is on the minus strand). VCF-style: chrY-2787310-C-T. GRCh37 (hg19) VCF-style: chrY-2655351-C-T.
Other names: short protein forms W98*.
Identifiers: ClinVar variation 3040170 (VCV003040170.2), dbSNP rs2124486099, ClinGen allele CA414941355.

ClinVar aggregate classification (germline): Pathogenic (0 of 4 stars; one submission).

Conditions:
SRY-related disorder. Also called: SRY-related condition.

Submission:

PreventionGenetics, part of Exact Sciences
Classification: Pathogenic for SRY-related condition. Last evaluated: 2023-11-13. Review status: no assertion criteria provided. Collection method: clinical testing. Allele origin: germline.
Comment: The SRY c.294G>A variant is predicted to result in premature protein termination (p.Trp98*). This variant has been reported in 46,XY females with complete gonadal dysgenesis (Paliwal et al 2011. PubMed ID: 21242195; Kim A et al 2020. PubMed ID: 33060256). This variant has not been reported in a large population database, indicating this variant is rare. Nonsense variants in SRY are expected to be pathogenic. This variant is interpreted as pathogenic.